The following is an entry in ClinVar:

NM_000255.4(MMUT):c.1391del (p.Pro464fs)

Gene: MMUT (methylmalonyl-CoA mutase; minus strand). Cytogenetic location: 6p12.3.
Variant type: Deletion.
Coding change: c.1391del on transcript NM_000255.4 (MANE Select); coding-DNA position 1391, one base deleted (C; older notation c.1391delC).
Protein change: p.Pro464fs; shifts the reading frame from proline 464.
Molecular consequence: frameshift variant.
Genome position (GRCh38, 1-based): chr6:49,448,869, G deleted on the plus strand (C on the coding strand, the reverse complement: MMUT is on the minus strand); the first of 2 consecutive G bases (chr6:49,448,869-49,448,870); deleting either gives the same sequence. VCF-style (leftmost placement, unchanged base first): chr6-49448868-AG-A. GRCh37 (hg19) VCF-style: chr6-49416581-AG-A.
Other names: short protein forms P464fs.
Identifiers: ClinVar variation 4058099 (VCV004058099.2).

ClinVar aggregate classification (germline): Likely pathogenic (1 of 4 stars; one submission).

Conditions:
Methylmalonic aciduria due to complete methylmalonyl-CoA mutase deficiency.

Submission:

Natera, Inc.
Classification: Likely pathogenic for Methylmalonic aciduria due to complete methylmalonyl-CoA mutase deficiency. Last evaluated: 2025-01-28. Review status: criteria provided, single submitter. Criteria: Natera Variant Classification Schema (03/2026). Collection method: clinical testing. Allele origin: germline.
Comment: The c.1391del variant in MMUT is a frameshift variant predicted to shift the reading frame beginning at codon 464 and leads to a stop codon 16 codons downstream. This variant is expected to result in nonsense mediated decay, truncation, or a dysfunctional protein product. This variant is rare in the general population with a frequency below the threshold expected for the associated phenotype(s). Given the available evidence, this variant is classified as Likely Pathogenic.